The following is an entry in ClinVar:

ClinVar aggregate classification (germline): Uncertain significance. Review status: criteria provided, multiple submitters, no conflicts (2 of 4 stars). 2 submissions from 2 submitters: Uncertain significance (2). Last evaluated 2024-12-23.

Conditions:
Familial thoracic aortic aneurysm and aortic dissection (TAAD). Also called: Thoracic aortic aneurysms and dissections. Identifiers: Orphanet 91387, MedGen C4707243, MONDO:0019625.
Ehlers-Danlos syndrome, type 4 (EDSVASC). Also called: Ehlers-Danlos Syndrome Type IV; Ehlers-Danlos syndrome vascular type; Ehlers Danlos syndrome, ecchymotic type; Ehlers Danlos syndrome, arterial type; Ehlers Danlos syndrome, Sack-Barabas type. Identifiers: Orphanet 286, MedGen C0268338, MONDO:0017314, OMIM 130050.

Submissions (2):

Labcorp Genetics (formerly Invitae), Labcorp
Classification: Uncertain significance for Ehlers-Danlos syndrome, type 4. Last evaluated: 2024-12-23. Review status: criteria provided, single submitter. Criteria: Invitae Variant Classification Sherloc (09022015). Collection method: clinical testing. Allele origin: germline.
Comment: This sequence change falls in intron 15 of the COL3A1 gene. It does not directly change the encoded amino acid sequence of the COL3A1 protein. It affects a nucleotide within the consensus splice site. This variant is not present in population databases (gnomAD no frequency). This variant has not been reported in the literature in individuals affected with COL3A1-related conditions. ClinVar contains an entry for this variant (Variation ID: 2775099). Variants that disrupt the consensus splice site are a relatively common cause of aberrant splicing (PMID: 17576681, 9536098). Algorithms developed to predict the effect of sequence changes on RNA splicing suggest that this variant is not likely to affect RNA splicing. In summary, the available evidence is currently insufficient to determine the role of this variant in disease. Therefore, it has been classified as a Variant of Uncertain Significance.

Color Diagnostics, LLC DBA Color Health
Classification: Uncertain significance for Familial thoracic aortic aneurysm and aortic dissection. Last evaluated: 2022-11-08. Review status: criteria provided, single submitter. Criteria: ACMG Guidelines, 2015. Collection method: clinical testing. Allele origin: germline.
Comment: This variant causes an A to G nucleotide substitution at the +3 position of intron 15 of the COL3A1 gene. Splice prediction tools are inconclusive regarding the impact of this variant on RNA splicing. To our knowledge, functional studies have not been reported for this variant. This variant has not been reported in individuals affected with COL3A1-related disorders in the literature. This variant has not been identified in the general population by the Genome Aggregation Database (gnomAD). The available evidence is insufficient to determine the role of this variant in disease conclusively. Therefore, this variant is classified as a Variant of Uncertain Significance.

Literature cited by the submitters: PubMed 17576681 (cited by Labcorp Genetics (formerly Invitae), Labcorp); PubMed 9536098 (cited by Labcorp Genetics (formerly Invitae), Labcorp).

NM_000090.4(COL3A1):c.1050+3A>G

Gene: COL3A1 (collagen type III alpha 1 chain; plus strand). Cytogenetic location: 2q32.2.
Variant type: single nucleotide variant.
Coding change: c.1050+3A>G on transcript NM_000090.4 (MANE Select); 3 bases into the intron after coding-DNA position 1050, A replaced by G.
Molecular consequence: intron variant.
Genome position (GRCh38, 1-based): chr2:188,992,943, A>G. VCF-style: chr2-188992943-A-G. GRCh37 (hg19) VCF-style: chr2-189857669-A-G.
Identifiers: ClinVar variation 2775099 (VCV002775099.4), dbSNP rs2469124827, ClinGen allele CA2697551444.